The following is an entry in ClinVar:

NM_001356.5(DDX3X):c.835G>C (p.Ala279Pro)

Gene: DDX3X (DEAD-box helicase 3 X-linked; plus strand). Cytogenetic location: Xp11.4.
Variant type: single nucleotide variant.
Coding change: c.835G>C on transcript NM_001356.5 (MANE Select); coding-DNA position 835, G replaced by C.
Protein change: p.Ala279Pro; replaces alanine 279 with proline.
Molecular consequence: missense variant. On other transcripts: non-coding transcript variant (1).
Genome position (GRCh38, 1-based): chrX:41,344,099, G>C. VCF-style: chrX-41344099-G-C. GRCh37 (hg19) VCF-style: chrX-41203352-G-C.
Other names: c.835G>C, p.Ala279Pro (NM_001193416.3); c.787G>C, p.Ala263Pro (NM_001193417.3); c.277G>C, p.Ala93Pro (NM_001363819.1); short protein forms A263P, A279P, A93P.
Identifiers: ClinVar variation 3376831 (VCV003376831.1).

ClinVar aggregate classification (germline): Uncertain significance (1 of 4 stars; one submission).

Conditions:
Intellectual disability, X-linked 102 (MRXSSB). Also called: Intellectual developmental disorder, X-linked syndromic, Snijders Blok type. Identifiers: Orphanet 457260, MedGen C5393299, MONDO:0010497, OMIM 300958.

Submission:

Victorian Clinical Genetics Services, Murdoch Childrens Research Institute
Classification: Uncertain significance for Intellectual disability, X-linked 102. Last evaluated: 2022-02-02. Review status: criteria provided, single submitter. Criteria: ACMG Guidelines, 2015. Collection method: clinical testing. Allele origin: germline. Inheritance: X-linked inheritance. Affected: yes.
Comment: Based on the classification scheme VCGS_Germline_v1.3.4, this variant is classified as VUS-3A. Following criteria are met: 0102 - Loss of function is a known mechanism of disease in this gene and is associated with X-linked Snijders Blok-type syndromic intellectual developmental disorder (MIM#300958). (I) 0108 - This gene is associated with both recessive and dominant disease. Females may or may not be symptomatic (OMIM). (I) 0200 - Variant is predicted to result in a missense amino acid change from alanine to proline. (I) 0251 - This variant is heterozygous. (I) 0301 - Variant is absent from gnomAD (both v2 and v3). (SP) 0502 - Missense variant with conflicting in silico predictions and uninformative conservation. (I) 0603 - Missense variant in a region that is highly intolerant to missense variation (high constraint region in DECIPHER). (SP) 0705 - No comparable missense variants have previous evidence for pathogenicity. (I) 0807 - This variant has no previous evidence of pathogenicity. (I) 0905 - No published segregation evidence has been identified for this variant. (I) 1007 - No published functional evidence has been identified for this variant. (I) 1208 - Inheritance information for this variant is not currently available in this individual. (I) Legend: (SP) - Supporting pathogenic, (I) - Information, (SB) - Supporting benign